The following is an entry in ClinVar:

ClinVar aggregate classification (germline): Uncertain significance (1 of 4 stars; one submission).

Submission:

Ambry Genetics
Classification: Uncertain significance. Last evaluated: 2025-09-04. Review status: criteria provided, single submitter. Criteria: Ambry Variant Classification Scheme 2023. Collection method: clinical testing. Allele origin: germline.
Comment: The c.1724-5G>A intronic variant results from a G to A substitution 5 nucleotides upstream from coding exon 18 in the KIF1B gene. This nucleotide position is not well conserved in available vertebrate species. In silico splice site analysis predicts that this alteration will not have any significant effect on splicing. The evidence for this gene-disease relationship is limited; therefore, the clinical significance of this alteration is unclear.

NM_001365951.3(KIF1B):c.1862-5G>A

Gene: KIF1B (kinesin family member 1B; plus strand). Cytogenetic location: 1p36.22.
Variant type: single nucleotide variant.
Coding change: c.1862-5G>A on transcript NM_001365951.3 (MANE Select); 5 bases into the intron before coding-DNA position 1862, G replaced by A.
Molecular consequence: intron variant.
Genome position (GRCh38, 1-based): chr1:10,296,892, G>A. VCF-style: chr1-10296892-G-A. GRCh37 (hg19) VCF-style: chr1-10356950-G-A.
Other names: c.1724-5G>A (NM_183416.4, NM_015074.3, NM_001365953.1); c.1862-5G>A (NM_001365952.1).
Identifiers: ClinVar variation 4092311 (VCV004092311.1).